The following is an entry in ClinVar:

NM_138694.4(PKHD1):c.6710G>A (p.Arg2237Lys)

Gene: PKHD1 (PKHD1 ciliary IPT domain containing fibrocystin/polyductin; minus strand). Cytogenetic location: 6p12.2.
Variant type: single nucleotide variant.
Coding change: c.6710G>A on transcript NM_138694.4 (MANE Select); coding-DNA position 6710, G replaced by A.
Protein change: p.Arg2237Lys; replaces arginine 2237 with lysine.
Molecular consequence: missense variant.
Genome position (GRCh38, 1-based): chr6:51,906,313, C>T on the plus strand (G>A on the coding strand, the complement: PKHD1 is on the minus strand). VCF-style: chr6-51906313-C-T. GRCh37 (hg19) VCF-style: chr6-51771111-C-T.
Other names: c.6710G>A, p.Arg2237Lys (NM_170724.3); c.6710G>A (NM_138694.3); short protein forms R2237K.
Identifiers: ClinVar variation 1147847 (VCV001147847.11), dbSNP rs144673879, ClinGen allele CA3852193.

ClinVar aggregate classification (germline): Conflicting classifications of pathogenicity. Review status: criteria provided, conflicting classifications (1 of 4 stars). 3 submissions from 3 submitters: Uncertain significance (2); Likely benign (1). Last evaluated 2025-12-23.

Conditions:
Inborn genetic diseases. Identifiers: MedGen C0950123, MeSH D030342.
PKHD1-related disorder. Also called: PKHD1-related condition.
Autosomal recessive polycystic kidney disease (ARPKD). Also called: AR polycystic kidney disease. Identifiers: Orphanet 731, Orphanet 8378, MedGen C0085548, MeSH D017044, MONDO:0009889.

Allele frequency attached by ClinVar (database versions not stated): gnomAD exomes 0.00001 and 0.00006; ExAC 0.00007; gnomAD 0.00023 and 0.00025; TOPMed 0.00025; ESP Exome Variant Server 0.00031.
gnomAD v4.1: 57 of 1,610,644 alleles (0.0035%); highest among the groups gnomAD compares: African/African-American, 0.072%; no homozygotes.

Submissions (3):

Labcorp Genetics (formerly Invitae), Labcorp
Classification: Likely benign for Autosomal recessive polycystic kidney disease. Last evaluated: 2025-12-23. Review status: criteria provided, single submitter. Criteria: Invitae Variant Classification Sherloc (09022015). Collection method: clinical testing. Allele origin: germline.

PreventionGenetics, part of Exact Sciences
Classification: Uncertain significance for PKHD1-related condition. Last evaluated: 2025-09-23. Review status: criteria provided, single submitter. Criteria: ACMG Guidelines, 2015. Collection method: clinical testing. Allele origin: germline.
Comment: The PKHD1 c.6710G>A variant is predicted to result in the amino acid substitution p.Arg2237Lys. To our knowledge, this variant has not been reported in the literature. This variant is reported in 0.10% of alleles in individuals of African descent in gnomAD. Although we suspect that this variant may be benign, at this time, the clinical significance of this variant is uncertain due to the absence of conclusive functional and genetic evidence.

Ambry Genetics
Classification: Uncertain significance for Inborn genetic diseases. Last evaluated: 2021-08-30. Review status: criteria provided, single submitter. Criteria: Ambry Variant Classification Scheme 2023. Collection method: clinical testing. Allele origin: germline.